The following is an entry in ClinVar:

NM_000169.3(GLA):c.1125_1140del (p.Val376fs)

Genes: GLA (galactosidase alpha; minus strand), RPL36A-HNRNPH2 (RPL36A-HNRNPH2 readthrough; plus strand). Cytogenetic location: Xq22.1.
Variant type: Deletion.
Coding change: c.1125_1140del on transcript NM_000169.3 (MANE Select); coding-DNA positions 1125 to 1140, 16 bases deleted (AGTGGCCTGTAATCCT).
Protein change: p.Val376fs; shifts the reading frame from valine 376.
Molecular consequence: frameshift variant. On other transcripts: non-coding transcript variant (3), intron variant (2).
Genome position (GRCh38, 1-based): chrX:101,397,959-101,397,974, AGGATTACAGGCCACT deleted on the plus strand (AGTGGCCTGTAATCCT on the coding strand, the reverse complement: GLA is on the minus strand). VCF-style (leftmost placement, unchanged base first): chrX-101397958-CAGGATTACAGGCCACT-C. GRCh37 (hg19) VCF-style: chrX-100652946-CAGGATTACAGGCCACT-C.
Other names: c.1248_1263del, p.Val417fs (NM_001406747.1); c.300+2502_300+2517del (NM_001199973.2); c.177+6137_177+6152del (NM_001199974.2); c.1125_1140delAGTGGCCTGTAATCCT (NM_000169.2); short protein forms V417fs.
Identifiers: ClinVar variation 234993 (VCV000234993.16), dbSNP rs876661347, ClinGen allele CA10581189.

ClinVar aggregate classification (germline): Pathogenic/Likely pathogenic. Review status: criteria provided, multiple submitters, no conflicts (2 of 4 stars). 4 submissions from 4 submitters: Pathogenic (3); Likely pathogenic (1). Last evaluated 2021-07-15.

Conditions:
Fabry disease. Also called: HEREDITARY DYSTOPIC LIPIDOSIS; Angiokeratoma corporis diffusum; Ceramide trihexosidosis; Fabry's disease; ALPHA-GALACTOSIDASE A DEFICIENCY; ANDERSON-FABRY DISEASE. Identifiers: Orphanet 324, MedGen C0002986, MONDO:0010526, OMIM 301500, HP:0001071. Disease mechanism: Fabry disease is due to inactivating mutations in the X-linked GLA gene resulting in deficiency of the enzyme Alpha Galactosidase-A., loss of function.

Submissions (4):

Genome-Nilou Lab
Classification: Pathogenic for Fabry disease. Last evaluated: 2021-07-15. Review status: criteria provided, single submitter. Criteria: ACMG Guidelines, 2015. Collection method: clinical testing. Allele origin: germline. Affected: no.

Labcorp Genetics (formerly Invitae), Labcorp
Classification: Pathogenic for Fabry disease. Last evaluated: 2019-02-05. Review status: criteria provided, single submitter. Criteria: Invitae Variant Classification Sherloc (09022015). Collection method: clinical testing. Allele origin: germline.
Comment: For these reasons, this variant has been classified as Pathogenic. This variant disrupts the p.Pro409 amino acid residue in GLA. Other variants that disrupt this residue have been observed in individuals with GLA-related conditions (PMID: 12428061, 21598360, 11668641, 12428061, Invitae), suggesting that it is a clinically significant residue. As a result, variants that disrupt this residue are likely to be causative of disease. Experimental studies and prediction algorithms are not available for this variant, and the functional significance of the affected amino acids is currently unknown. ClinVar contains an entry for this variant (Variation ID: 234993). This variant is not present in population databases (ExAC no frequency). This sequence change results in a premature translational stop signal in the GLA gene (p.Val376Profs*10). While this is not anticipated to result in nonsense mediated decay, it is expected to disrupt the last 40 amino acids of the GLA protein.

Stanford Center for Inherited Cardiovascular Disease, Stanford University
Classification: Likely pathogenic. Last evaluated: 2015-10-15. Review status: criteria provided, single submitter. Criteria: ACMG Guidelines, 2015. Collection method: provider interpretation. Allele origin: germline.

GeneDx
Classification: Pathogenic. Last evaluated: 2015-07-27. Review status: criteria provided, single submitter. Criteria: GeneDx Variant Classification (06012015). Collection method: clinical testing. Allele origin: germline. Affected: yes.
Comment: Although the c.1125_1140del16 mutation in the GLA gene has not been reported to our knowledge, this pathogenic variant causes a shift in reading frame starting at codon Valine 376, changing it to a Proline, and creating a premature stop codon at position 10 of the new reading frame, denoted p.Val376ProfsX10. This variant is expected to result in an abnormal, truncated protein product by replacing the last 54 amnio acids with 9 incorrect amino acids. Multiple other frameshift mutations downstream of this position in the GLA gene have been reported in HGMD in association with Fabry disease (Stenson P et al., 2014). Furthermore, the c.1125_1140del16 variant was not observed in approximately 6,500 individuals of European and African American ancestry in the NHLBI Exome Sequencing Project, indicating it is not a common benign variant in these populations.In summary, c.1125_1140del16 in the GLA gene is interpreted as a disease-causing variant

Literature cited by the submitters: PubMed 12428061 (cited by Labcorp Genetics (formerly Invitae), Labcorp); PubMed 21598360 (cited by Labcorp Genetics (formerly Invitae), Labcorp); PubMed 11668641 (cited by Labcorp Genetics (formerly Invitae), Labcorp).